The following is an entry in ClinVar:

ClinVar aggregate classification (germline): Benign/Likely benign. Review status: criteria provided, multiple submitters, no conflicts (2 of 4 stars). 2 submissions from 2 submitters: Benign (1); Likely benign (1). Last evaluated 2026-05-06.

Conditions:
Colorectal cancer, hereditary nonpolyposis, type 7. Identifiers: Orphanet 144, MedGen C1858380, MONDO:0013725, OMIM 614385.

Allele frequency attached by ClinVar (database versions not stated): gnomAD 0.00001.
gnomAD v4.1: 2 of 1,602,246 alleles (0.00012%); highest among the groups gnomAD compares: African/African-American, 0.0013%; no homozygotes.

Submissions (2):

Myriad Genetics, Inc.
Classification: Benign for Colorectal cancer, hereditary nonpolyposis, type 7. Last evaluated: 2026-05-06. Review status: criteria provided, single submitter. Criteria: Myriad Autosomal Dominant, Autosomal Recessive and X-Linked Classification Criteria (2023). Collection method: clinical testing. Allele origin: unknown.
Comment: This variant is considered benign. This variant is a silent/synonymous amino acid change and it is not expected to impact splicing.

Ambry Genetics
Classification: Likely benign. Last evaluated: 2021-01-16. Review status: criteria provided, single submitter. Criteria: Ambry Variant Classification Scheme 2023. Collection method: clinical testing. Allele origin: germline.

NM_001040108.2(MLH3):c.3507A>G (p.Ala1169=)

Gene: MLH3 (mutL homolog 3; minus strand). Cytogenetic location: 14q24.3.
Variant type: single nucleotide variant.
Coding change: c.3507A>G on transcript NM_001040108.2 (MANE Select); coding-DNA position 3507, A replaced by G.
Protein change: p.Ala1169=; no amino-acid change (alanine 1169 retained).
Molecular consequence: synonymous variant.
Genome position (GRCh38, 1-based): chr14:75,039,974, T>C on the plus strand (A>G on the coding strand, the complement: MLH3 is on the minus strand). VCF-style: chr14-75039974-T-C. GRCh37 (hg19) VCF-style: chr14-75506677-T-C.
Other names: c.3507A>G, p.Ala1169= (NM_014381.3).
Identifiers: ClinVar variation 1732119 (VCV001732119.3), dbSNP rs1374687248, ClinGen allele CA487176553.